The following is an entry in ClinVar:

ClinVar aggregate classification (germline): Pathogenic (1 of 4 stars; one submission).

Conditions:
Bardet-Biedl syndrome (BBS). Identifiers: Orphanet 110, MedGen C0752166, MONDO:0015229.

Submission:

Labcorp Genetics (formerly Invitae), Labcorp
Classification: Pathogenic for Bardet-Biedl syndrome. Last evaluated: 2025-12-21. Review status: criteria provided, single submitter. Criteria: Invitae Variant Classification Sherloc (09022015). Collection method: clinical testing. Allele origin: germline.
Comment: This sequence change creates a premature translational stop signal (p.Tyr197Serfs*9) in the BBS10 gene. While this is not anticipated to result in nonsense mediated decay, it is expected to disrupt the last 527 amino acid(s) of the BBS10 protein. This variant is not present in population databases (gnomAD no frequency). This variant has not been reported in the literature in individuals affected with BBS10-related conditions. This variant disrupts a region of the BBS10 protein in which other variant(s) (p.Val707*) have been determined to be pathogenic (PMID: 20472660, 22773737, 25982971, 27486776). This suggests that this is a clinically significant region of the protein, and that variants that disrupt it are likely to be disease-causing. For these reasons, this variant has been classified as Pathogenic.

Literature cited by the submitters: PubMed 20472660; PubMed 22773737; PubMed 25982971; PubMed 27486776.

NM_024685.4(BBS10):c.589_590insC (p.Tyr197fs)

Gene: BBS10 (Bardet-Biedl syndrome 10; minus strand). Cytogenetic location: 12q21.2.
Variant type: Insertion.
Coding change: c.589_590insC on transcript NM_024685.4 (MANE Select); coding-DNA positions 589 to 590, C inserted.
Protein change: p.Tyr197fs; shifts the reading frame from tyrosine 197.
Molecular consequence: frameshift variant.
Genome position: GRCh38 VCF-style: chr12-76347395-T-TG. GRCh37 (hg19) VCF-style: chr12-76741175-T-TG.
Other names: short protein forms Y197fs.
Identifiers: ClinVar variation 4733749 (VCV004733749.1).